The following is an entry in ClinVar:

ClinVar aggregate classification (germline): Conflicting classifications of pathogenicity. Review status: criteria provided, conflicting classifications (1 of 4 stars). 7 submissions from 7 submitters: Uncertain significance (5); Likely benign (2). Last evaluated 2025-10-26.

Conditions:
Retinal dystrophy. Also called: Inherited retinal dystrophy. Identifiers: Orphanet 71862, MedGen C0854723, MeSH D058499, MONDO:0019118, HP:0000556.
Occult macular dystrophy (OCMD). Also called: OMD; OCCULT MACULAR DYSTROPHY, SUSCEPTIBILITY TO. Identifiers: Orphanet 247834, MedGen C3150833, MONDO:0013316, OMIM 613587, HP:0030636.

Allele frequency attached by ClinVar (database versions not stated): TOPMed 0.00002.
gnomAD v4.1: 2 of 1,614,136 alleles (0.00012%); highest among the groups gnomAD compares: South Asian, 0.0011%; no homozygotes.

Submissions (7):

Labcorp Genetics (formerly Invitae), Labcorp
Classification: Uncertain significance. Last evaluated: 2025-10-26. Review status: criteria provided, single submitter. Criteria: Invitae Variant Classification Sherloc (09022015). Collection method: clinical testing. Allele origin: germline.
Comment: This sequence change replaces threonine, which is neutral and polar, with isoleucine, which is neutral and non-polar, at codon 150 of the RP1L1 protein (p.Thr150Ile). This variant is present in population databases (no rsID available, gnomAD 0.003%). This missense change has been observed in individual(s) with occult macular dystrophy (PMID: 32445700). ClinVar contains an entry for this variant (Variation ID: 444739). Invitae Evidence Modeling of protein sequence and biophysical properties (such as structural, functional, and spatial information, amino acid conservation, physicochemical variation, residue mobility, and thermodynamic stability) indicates that this missense variant is not expected to disrupt RP1L1 protein function with a negative predictive value of 80%. In summary, the available evidence is currently insufficient to determine the role of this variant in disease. Therefore, it has been classified as a Variant of Uncertain Significance.

GeneDx
Classification: Uncertain significance. Last evaluated: 2025-09-29. Review status: criteria provided, single submitter. Criteria: GeneDx Variant Classification Process June 2021. Collection method: clinical testing. Allele origin: germline. Affected: yes.
Comment: Identified in individuals with occult macular dystrophy and in individuals from large cohorts with unspecified retinal disease referred for genetic testing at GeneDx and in published literature; however, these individuals also frequently harbored the p.(R45W) variant (sometimes on the same allele (in cis) and other times phase unknown) (PMID: 23281133, 38219857, 32445700, 37734845); Not observed at significant frequency in large population cohorts (gnomAD); In silico analysis indicates that this missense variant does not alter protein structure/function; This variant is associated with the following publications: (PMID: 32445700, 23281133, 38219857, 37734845)

CeGaT Center for Human Genetics Tuebingen
Classification: Uncertain significance. Last evaluated: 2023-10-01. Review status: criteria provided, single submitter. Criteria: CeGaT Center For Human Genetics Tuebingen Variant Classification Criteria Version 2. Collection method: clinical testing. Allele origin: germline. Affected: yes. Observed: 16 variant alleles.
Comment: RP1L1: PM2, BP4

Blueprint Genetics
Classification: Likely benign. Last evaluated: 2022-11-14. Review status: criteria provided, single submitter. Criteria: ACMG Guidelines, 2015. Collection method: clinical testing. Allele origin: germline.

Institute of Human Genetics, Univ. Regensburg, Univ. Regensburg
Classification: Likely benign for Retinal dystrophy. Last evaluated: 2022-01-01. Review status: criteria provided, single submitter. Criteria: ACMG Guidelines, 2015. Collection method: clinical testing. Allele origin: germline. Affected: yes.

Fulgent Genetics
Classification: Uncertain significance for Occult macular dystrophy. Last evaluated: 2018-10-31. Review status: criteria provided, single submitter. Criteria: ACMG Guidelines, 2015. Collection method: clinical testing. Allele origin: unknown.

Eurofins Ntd Llc (ga)
Classification: Uncertain significance. Last evaluated: 2016-12-21. Review status: criteria provided, single submitter. Criteria: EGL Classification Definitions 2015. Collection method: clinical testing. Allele origin: germline. Observed: 1 variant allele, 1 heterozygote.

Literature cited by the submitters: PubMed 32445700 (cited by Labcorp Genetics (formerly Invitae), Labcorp); PubMed 23281133 (cited by Institute of Human Genetics, Univ. Regensburg, Univ. Regensburg).

NM_178857.6(RP1L1):c.449C>T (p.Thr150Ile)

Gene: RP1L1 (RP1 like 1). Cytogenetic location: 8p23.1.
Variant type: single nucleotide variant.
Coding change: c.449C>T on transcript NM_178857.6 (MANE Select); coding-DNA position 449, C replaced by T.
Protein change: p.Thr150Ile; replaces threonine 150 with isoleucine.
Molecular consequence: missense variant.
Genome position (GRCh38, 1-based): chr8:10,622,753, G>A on the plus strand (C>T on the coding strand, the complement: RP1L1 is on the minus strand). VCF-style: chr8-10622753-G-A. GRCh37 (hg19) VCF-style: chr8-10480263-G-A.
Other names: short protein forms T150I.
Identifiers: ClinVar variation 444739 (VCV000444739.57), dbSNP rs758699416, ClinGen allele CA370300127.
Genomic context (GRCh38, chr8:10,622,753, plus strand): 5'-AGAACCACTGTCTGCTGGAGGCGAGGGTCCATGTTCTTAATCAGCAGTATCCTCCGGGGG[G>A]TTTTAAGACTCTTCCGGGAGGAGGAGGTGCCTGGGGCTTCACGCTGGCCTTCGACATCCC-3'
Protein context (NP_849188.4, residues 140-160): GTSSSRKSLK[Thr150Ile]PRRILLIKNM